The following is an entry in ClinVar:

ClinVar aggregate classification (germline): Pathogenic (1 of 4 stars; one submission).

Submission:

Labcorp Genetics (formerly Invitae), Labcorp
Classification: Pathogenic. Last evaluated: 2024-10-07. Review status: criteria provided, single submitter. Criteria: Invitae Variant Classification Sherloc (09022015). Collection method: clinical testing. Allele origin: germline.
Comment: This sequence change creates a premature translational stop signal (p.Glu798*) in the SORL1 gene. It is expected to result in an absent or disrupted protein product. Loss-of-function variants in SORL1 are known to be pathogenic (PMID: 26303663, 27026413). This variant is not present in population databases (gnomAD no frequency). This variant has not been reported in the literature in individuals affected with SORL1-related conditions. For these reasons, this variant has been classified as Pathogenic.

Literature cited by the submitters: PubMed 26303663; PubMed 27026413.

NM_003105.6(SORL1):c.2392G>T (p.Glu798Ter)

Genes: SORL1 (sortilin related receptor 1; plus strand), LOC114803469 (SORL1 eExon liver enhancer; plus strand). Cytogenetic location: 11q24.1.
Variant type: single nucleotide variant.
Coding change: c.2392G>T on transcript NM_003105.6 (MANE Select); coding-DNA position 2392, G replaced by T.
Protein change: p.Glu798Ter; replaces glutamic acid 798 with a stop codon.
Molecular consequence: nonsense.
Genome position (GRCh38, 1-based): chr11:121,554,062, G>T. VCF-style: chr11-121554062-G-T. GRCh37 (hg19) VCF-style: chr11-121424771-G-T.
Other names: short protein forms E798*.
Identifiers: ClinVar variation 3689530 (VCV003689530.2).